The following is an entry in ClinVar:

ClinVar aggregate classification (germline): Benign/Likely benign. Review status: criteria provided, multiple submitters, no conflicts (2 of 4 stars). 4 submissions from 4 submitters: Benign (1); Likely benign (2). 1 of the submissions does not count toward it. Last evaluated 2026-03-30.

Conditions:
COL12A1-related disorder. Also called: COL12A1-related condition.
Bethlem myopathy 2 (BTHLM2). Identifiers: Orphanet 536516, Orphanet 610, MedGen C4225313, MONDO:0034022, OMIM 616471.
Ullrich congenital muscular dystrophy 2 (UCMD2). Identifiers: Orphanet 75840, MedGen C4225314, MONDO:0014654, OMIM 616470.

Allele frequency attached by ClinVar (database versions not stated): gnomAD 0.00001 and 0.00011; TOPMed 0.00003; gnomAD exomes 0.00028 and 0.00059; ExAC 0.00054; 1000 Genomes Project 30x 0.00141; 1000 Genomes Project 0.00160.
gnomAD v4.1: 428 of 1,613,856 alleles (0.027%); highest among the groups gnomAD compares: South Asian, 0.44%; 3 homozygotes.

Submissions (4):

Women's Health and Genetics/Laboratory Corporation of America, LabCorp
Classification: Likely benign. Last evaluated: 2026-03-30. Review status: criteria provided, single submitter. Criteria: LabCorp Variant Classification Summary - May 2015. Collection method: clinical testing. Allele origin: germline.

Labcorp Genetics (formerly Invitae), Labcorp
Classification: Benign for Bethlem myopathy 2; Ullrich congenital muscular dystrophy 2. Last evaluated: 2025-12-25. Review status: criteria provided, single submitter. Criteria: Invitae Variant Classification Sherloc (09022015). Collection method: clinical testing. Allele origin: germline.

CeGaT Center for Human Genetics Tuebingen
Classification: Likely benign. Last evaluated: 2024-04-01. Review status: criteria provided, single submitter. Criteria: CeGaT Center For Human Genetics Tuebingen Variant Classification Criteria Version 2. Collection method: clinical testing. Allele origin: germline. Affected: yes. Observed: 1 variant allele.
Comment: COL12A1: BP4, BP7

PreventionGenetics, part of Exact Sciences
Classification: Likely benign for COL12A1-related condition. Last evaluated: 2019-03-13. Review status: no assertion criteria provided. Collection method: clinical testing. Allele origin: germline. Not counted in ClinVar's aggregate classification.
Comment: This variant is classified as likely benign based on ACMG/AMP sequence variant interpretation guidelines (Richards et al. 2015 PMID: 25741868, with internal and published modifications).

NM_004370.6(COL12A1):c.8565A>G (p.Pro2855=)

Gene: COL12A1 (collagen type XII alpha 1 chain; minus strand). Cytogenetic location: 6q13.
Variant type: single nucleotide variant.
Coding change: c.8565A>G on transcript NM_004370.6 (MANE Select); coding-DNA position 8565, A replaced by G.
Protein change: p.Pro2855=; no amino-acid change (proline 2855 retained).
Molecular consequence: synonymous variant.
Genome position (GRCh38, 1-based): chr6:75,097,265, T>C on the plus strand (A>G on the coding strand, the complement: COL12A1 is on the minus strand). VCF-style: chr6-75097265-T-C. GRCh37 (hg19) VCF-style: chr6-75806981-T-C.
Other names: c.5073A>G, p.Pro1691= (NM_080645.3).
Identifiers: ClinVar variation 475903 (VCV000475903.32), dbSNP rs202239067, ClinGen allele CA3892215.